The following is an entry in ClinVar:

ClinVar aggregate classification (germline): Pathogenic. Review status: reviewed by expert panel (3 of 4 stars). 8 submissions from 8 submitters: Pathogenic (1). 7 of the submissions do not count toward it. Last evaluated 2026-05-01.

Conditions:
Autosomal recessive limb-girdle muscular dystrophy type 2C (LGMDR5). Also called: MUSCULAR DYSTROPHY, LIMB-GIRDLE, AUTOSOMAL RECESSIVE 5; MUSCULAR DYSTROPHY, DUCHENNE-LIKE. Identifiers: Orphanet 353, MedGen C0410173, MONDO:0009677, OMIM 253700. Disease mechanism: Affects gamma-sarcoglycan and also disrupts the integrity of the entire sarcoglycan complex..
Autosomal recessive limb-girdle muscular dystrophy. Identifiers: Orphanet 102015, MedGen C2931907, MONDO:0015152.

Allele frequency attached by ClinVar (database versions not stated): gnomAD exomes 0.00001 and below 0.00001; ExAC 0.00003.

Submissions (8):

ClinGen Limb Girdle Muscular Dystrophy Variant Curation Expert Panel, ClinGen
Classification: Pathogenic for Autosomal recessive limb-girdle muscular dystrophy. Last evaluated: 2026-05-01. Review status: reviewed by expert panel. Criteria: ClinGen LGMD VCEP ACMG Specifications SGCG V2.0.0. Collection method: curation. Allele origin: germline. Inheritance: Autosomal recessive inheritance.
Comment: The NM_000231.3: c.579-2A>G variant in SGCG occurs within the canonical splice acceptor site of intron 5. SpliceAI gives a score of 0.43 for acceptor loss and 0.43 for strengthening of a cryptic acceptor site located 5 nucleotides from the start of exon 6. Use of the cryptic acceptor or skipping of out of frame exon 6 would be expected to result in a frameshift and premature truncation, leading to nonsense mediated decay in a gene in which loss of function is an established disease mechanism (PVS1). This variant has been detected in at least one individual with a clinical diagnosis of limb-girdle muscular dystrophy, where it was reported in unconfirmed phase with a pathogenic variant (c.787G>A p.(Glu263Lys), 0.5 pts, GRASP-LGMD Consortium internal data communication; PM3_Supporting, PP4). The highest population minor allele frequency in gnomAD v4.1.1 is 0.00003561 (1/28080 alleles) in the Ashkenazi Jewish population, which is lower than the ClinGen LGMD VCEP threshold (<0.00009) for PM2_Supporting, therefore meeting this criterion (PM2_Supporting). In summary, this variant meets the criteria to be classified as Pathogenic for autosomal recessive limb girdle muscular dystrophy based on the ACMG/AMP criteria applied, as specified by the ClinGen LGMD VCEP (LGMD VCEP specifications version 2.0.0; 05/01/2026): PVS1, PM3_Supporting, PP4, PM2_Supporting.

Natera, Inc.
Classification: Likely pathogenic for Limb-girdle muscular dystrophy type 2C. Last evaluated: 2024-11-04. Review status: criteria provided, single submitter. Criteria: Natera Variant Classification Schema (03/2026). Collection method: clinical testing. Allele origin: germline. Not counted in ClinVar's aggregate classification.
Comment: The c.579-2A>G variant in SGCG is a canonical splice acceptor site variant predicted to affect pre-mRNA splicing, which may result in an abnormal transcript and altered protein product. This variant is expected to result in nonsense mediated decay, truncation, or a dysfunctional protein product. This variant is rare in the general population with a frequency below the threshold expected for the associated phenotype(s). Given the available evidence, this variant is classified as Likely Pathogenic.

Fulgent Genetics
Classification: Likely pathogenic for Autosomal recessive limb-girdle muscular dystrophy type 2C. Last evaluated: 2024-04-29. Review status: criteria provided, single submitter. Criteria: ACMG Guidelines, 2015. Collection method: clinical testing. Allele origin: germline. Not counted in ClinVar's aggregate classification.

Baylor Genetics
Classification: Pathogenic for Autosomal recessive limb-girdle muscular dystrophy type 2C. Last evaluated: 2023-09-07. Review status: criteria provided, single submitter. Criteria: ACMG Guidelines, 2015. Collection method: clinical testing. Allele origin: unknown. Not counted in ClinVar's aggregate classification.

Revvity Omics, Revvity
Classification: Pathogenic for Autosomal recessive limb-girdle muscular dystrophy type 2C. Last evaluated: 2023-02-14. Review status: criteria provided, single submitter. Criteria: ACMG Guidelines, 2015. Collection method: clinical testing. Allele origin: germline. Not counted in ClinVar's aggregate classification.

Labcorp Genetics (formerly Invitae), Labcorp
Classification: Likely pathogenic for Autosomal recessive limb-girdle muscular dystrophy type 2C. Last evaluated: 2021-03-08. Review status: criteria provided, single submitter. Criteria: Invitae Variant Classification Sherloc (09022015). Collection method: clinical testing. Allele origin: germline. Not counted in ClinVar's aggregate classification.
Comment: This sequence change affects an acceptor splice site in intron 6 of the SGCG gene. It is expected to disrupt RNA splicing. Variants that disrupt the donor or acceptor splice site typically lead to a loss of protein function (PMID: 16199547), and loss-of-function variants in SGCG are known to be pathogenic (PMID: 18285821). This variant is present in population databases (rs754415994, ExAC 0.006%). This variant has not been reported in the literature in individuals with SGCG-related conditions. ClinVar contains an entry for this variant (Variation ID: 392545). Algorithms developed to predict the effect of sequence changes on RNA splicing suggest that this variant may disrupt the consensus splice site, but this prediction has not been confirmed by published transcriptional studies. In summary, the currently available evidence indicates that the variant is pathogenic, but additional data are needed to prove that conclusively. Therefore, this variant has been classified as Likely Pathogenic.

GeneDx
Classification: Pathogenic. Last evaluated: 2017-07-10. Review status: criteria provided, single submitter. Criteria: GeneDx Variant Classification (06012015). Collection method: clinical testing. Allele origin: germline. Affected: yes. Not counted in ClinVar's aggregate classification.
Comment: The c.579-2 A>G pathogenic variant in the SGCG gene destroys the canonical splice acceptor site in intron 6. It is predicted to cause abnormal gene splicing, either leading to an abnormal message that is subject to nonsense-mediated mRNA decay, or to an abnormal protein product if the message is used for protein translation. The c.579-2 A>G variant is not observed at significant frequency in large population cohorts (Lek et al., 2016; 1000 Genomes Consortium et al., 2015; Exome Variant Server). Although the c.579-2 A>G variant has not been published to our knowledge, other splice site variants in the SGCG gene have been reported in the Human Gene Mutation Database in association with limb-girdle muscular dystrophy (Stenson et al., 2014).

Counsyl
Classification: Likely pathogenic for Autosomal recessive limb-girdle muscular dystrophy type 2C. Last evaluated: 2018-03-16. Review status: no assertion criteria provided. Collection method: clinical testing. Allele origin: unknown. Not counted in ClinVar's aggregate classification.

Literature cited by the submitters: PubMed 16199547 (cited by Labcorp Genetics (formerly Invitae), Labcorp); PubMed 18285821 (cited by Labcorp Genetics (formerly Invitae), Labcorp).

NM_000231.3(SGCG):c.579-2A>G

Gene: SGCG (sarcoglycan gamma; plus strand). Cytogenetic location: 13q12.12.
Variant type: single nucleotide variant.
Coding change: c.579-2A>G on transcript NM_000231.3 (MANE Select); the canonical splice acceptor site of the intron before coding-DNA position 579, A replaced by G.
Molecular consequence: splice acceptor variant.
Genome position (GRCh38, 1-based): chr13:23,320,635, A>G. VCF-style: chr13-23320635-A-G. GRCh37 (hg19) VCF-style: chr13-23894774-A-G.
Other names: c.633-2A>G (NM_001378244.1); c.579-2A>G (NM_001378245.1, NM_001378246.1).
Identifiers: ClinVar variation 392545 (VCV000392545.17), dbSNP rs754415994, ClinGen allele CA6909794.
Genomic context (GRCh38, chr13:23,320,635, plus strand): 5'-GCTGGAGTGGCTATTTTTAATACTTTTTTTTTTTTTTTTTGTGCTTCTTTTCCTCATCTC[A>G]GATTAGAATCCCCCACTCGGAGTCTAAGCATGGATGCCCCAAGGGGTGTGCATATTCAAG-3'